The following is an entry in ClinVar:

NM_000069.3(CACNA1S):c.217C>A (p.Pro73Thr)

Gene: CACNA1S (calcium voltage-gated channel subunit alpha1 S; minus strand). Cytogenetic location: 1q32.1.
Variant type: single nucleotide variant.
Coding change: c.217C>A on transcript NM_000069.3 (MANE Select); coding-DNA position 217, C replaced by A.
Protein change: p.Pro73Thr; replaces proline 73 with threonine.
Molecular consequence: missense variant.
Genome position (GRCh38, 1-based): chr1:201,110,205, G>T on the plus strand (C>A on the coding strand, the complement: CACNA1S is on the minus strand). VCF-style: chr1-201110205-G-T. GRCh37 (hg19) VCF-style: chr1-201079333-G-T.
Other names: short protein forms P73T.
Identifiers: ClinVar variation 3896789 (VCV003896789.1).

ClinVar aggregate classification (germline): Uncertain significance (1 of 4 stars; one submission).

Submission:

Kariminejad - Najmabadi Pathology & Genetics Center
Classification: Uncertain significance. Last evaluated: 2021-09-18. Review status: criteria provided, single submitter. Criteria: ACMG Guidelines, 2015. Collection method: clinical testing. Allele origin: germline. Inheritance: Autosomal dominant inheritance. Affected: yes.
Comment: PM2, PP3